The following is an entry in ClinVar:

NM_001369.3(DNAH5):c.4246T>C (p.Tyr1416His)

Genes: DNAH5-AS1 (DNAH5 antisense RNA 1; plus strand), DNAH5 (dynein axonemal heavy chain 5; minus strand). Cytogenetic location: 5p15.2.
Variant type: single nucleotide variant.
Coding change: c.4246T>C on transcript NM_001369.3 (MANE Select); coding-DNA position 4246, T replaced by C.
Protein change: p.Tyr1416His; replaces tyrosine 1416 with histidine.
Molecular consequence: missense variant.
Genome position (GRCh38, 1-based): chr5:13,865,777, A>G on the plus strand (T>C on the coding strand, the complement: DNAH5 is on the minus strand). VCF-style: chr5-13865777-A-G. GRCh37 (hg19) VCF-style: chr5-13865886-A-G.
Other names: short protein forms Y1416H.
Identifiers: ClinVar variation 1739035 (VCV001739035.2), dbSNP rs1261127875, ClinGen allele CA359225042.

ClinVar aggregate classification (germline): Uncertain significance (1 of 4 stars; one submission).

Conditions:
Primary ciliary dyskinesia. Also called: Ciliary dyskinesia. Identifiers: Orphanet 244, MedGen C0008780, MONDO:0016575, HP:0012265.

Allele frequency attached by ClinVar (database versions not stated): gnomAD exomes below 0.00001; TOPMed below 0.00001; gnomAD 0.00001.
gnomAD v4.1: 3 of 1,611,626 alleles (0.00019%); highest among the groups gnomAD compares: Middle Eastern, 0.016%; no homozygotes.

Submission:

Ambry Genetics
Classification: Uncertain significance for Primary ciliary dyskinesia. Last evaluated: 2021-08-16. Review status: criteria provided, single submitter. Criteria: Ambry Variant Classification Scheme 2023. Collection method: clinical testing. Allele origin: germline.
Comment: The p.Y1416H variant (also known as c.4246T>C), located in coding exon 27 of the DNAH5 gene, results from a T to C substitution at nucleotide position 4246. The tyrosine at codon 1416 is replaced by histidine, an amino acid with similar properties. This amino acid position is conserved. In addition, this alteration is predicted to be deleterious by in silico analysis. Since supporting evidence is limited at this time, the clinical significance of this alteration remains unclear.